The following is an entry in ClinVar:

NM_139279.6(MCFD2):c.*2761T>C

Genes: MCFD2 (multiple coagulation factor deficiency 2, ER cargo receptor complex subunit; minus strand), MCFD2-AS1 (MCFD2 antisense RNA 1; plus strand). Cytogenetic location: 2p21.
Variant type: single nucleotide variant.
Coding change: c.*2761T>C on transcript NM_139279.6 (MANE Select); 2761 bases downstream of the stop codon, T replaced by C.
Molecular consequence: 3 prime UTR variant.
Genome position (GRCh38, 1-based): chr2:46,902,702, A>G on the plus strand (T>C on the coding strand, the complement: MCFD2 is on the minus strand). VCF-style: chr2-46902702-A-G. GRCh37 (hg19) VCF-style: chr2-47129841-A-G.
Other names: c.*2761T>C (NM_001171506.2, NM_001171507.2, NM_001171508.2 and 3 more transcripts).
Identifiers: ClinVar variation 896348 (VCV000896348.4), dbSNP rs193204253, ClinGen allele CA46623527.

ClinVar aggregate classification (germline): Likely benign (1 of 4 stars; one submission).

Conditions:
Factor 5 and Factor VIII, combined deficiency of, 2. Identifiers: Orphanet 35909, MedGen C3150889, MONDO:0013331, OMIM 613625.

Allele frequency attached by ClinVar (database versions not stated): 1000 Genomes Project 0.00539; TOPMed 0.01021; gnomAD 0.01273 and 0.01332; gnomAD exomes 0.04430; 1000 Genomes Project 30x 0.00484.
gnomAD v4.1: 1,962 of 152,650 alleles (1.3%); highest among the groups gnomAD compares: Non-Finnish European, 1.7%; 24 homozygotes.

Submission:

Illumina Laboratory Services, Illumina
Classification: Likely benign for Factor 5 and Factor VIII, combined deficiency of, 2. Last evaluated: 2018-01-12. Review status: criteria provided, single submitter. Criteria: ICSL Variant Classification Criteria 13 December 2019. Collection method: clinical testing. Allele origin: germline.
Comment: This variant was observed in the ICSL laboratory as part of a predisposition screen in an ostensibly healthy population. It had not been previously curated by ICSL or reported in the Human Gene Mutation Database (HGMD: prior to June 1st, 2018), and was therefore a candidate for classification through an automated scoring system. Utilizing variant allele frequency, disease prevalence and penetrance estimates, and inheritance mode, an automated score was calculated to assess if this variant is too frequent to cause the disease. Based on the score and internal cut-off values, a variant classified as likely benign is not then subjected to further curation. The score for this variant resulted in a classification of likely benign for this disease.